The following is an entry in ClinVar:

ClinVar aggregate classification (germline): Pathogenic (1 of 4 stars; one submission).

Conditions:
Cerebral cavernous malformation (CCM). Also called: Cerebral cavernous malformations; Cerebral cavernous hemangioma (type); Cavernous Hemangioma of Brain; CAVERNOUS ANGIOMA, FAMILIAL; CAVERNOUS ANGIOMATOUS MALFORMATIONS; CEREBRAL CAPILLARY MALFORMATIONS. Identifiers: Orphanet 221061, MedGen C2919945, MONDO:0000820, OMIM 116860, HP:0033522.

Submission:

Labcorp Genetics (formerly Invitae), Labcorp
Classification: Pathogenic for Cerebral cavernous malformation. Last evaluated: 2025-01-15. Review status: criteria provided, single submitter. Criteria: Invitae Variant Classification Sherloc (09022015). Collection method: clinical testing. Allele origin: germline.
Comment: This sequence change affects an acceptor splice site in intron 8 of the KRIT1 gene. It is expected to disrupt RNA splicing. Variants that disrupt the donor or acceptor splice site typically lead to a loss of protein function (PMID: 16199547), and loss-of-function variants in KRIT1 are known to be pathogenic (PMID: 10508515, 11222804, 12404106, 24689081). This variant is not present in population databases (gnomAD no frequency). Disruption of this splice site has been observed in individuals with clinical features of cerebral cavernous malformations (PMID: 12404106; internal data). ClinVar contains an entry for this variant (Variation ID: 2703293). Algorithms developed to predict the effect of sequence changes on RNA splicing suggest that this variant may disrupt the consensus splice site. For these reasons, this variant has been classified as Pathogenic.

Literature cited by the submitters: PubMed 16199547; PubMed 10508515; PubMed 11222804; PubMed 12404106; PubMed 24689081.

NM_194454.3(KRIT1):c.486-1G>T

Gene: KRIT1 (KRIT1 ankyrin repeat containing; minus strand). Cytogenetic location: 7q21.2.
Variant type: single nucleotide variant.
Coding change: c.486-1G>T on transcript NM_194454.3 (MANE Select); the canonical splice acceptor site of the intron before coding-DNA position 486, G replaced by T.
Molecular consequence: splice acceptor variant.
Genome position (GRCh38, 1-based): chr7:92,235,647, C>A on the plus strand (G>T on the coding strand, the complement: KRIT1 is on the minus strand). VCF-style: chr7-92235647-C-A. GRCh37 (hg19) VCF-style: chr7-91864961-C-A.
Other names: c.486-1G>T (NM_001350672.1, NM_001350676.1, NM_001350673.1 and 29 more transcripts); c.-98-1G>T (NM_001350671.1).
Identifiers: ClinVar variation 2703293 (VCV002703293.3), dbSNP rs1554529341, ClinGen allele CA368161646.
Genomic context (GRCh38, chr7:92,235,647, plus strand): 5'-GGAGAAGGTCGGAATAAAGCTGGAATAAAGTGAGATTGTGCATGACGTTCATCTAACCAC[C>A]TGGCAAAATAAAAAAACAGGTAGAAGTAGCCATTCGAAAGTGAAGATGAAAAAGATAGAT-3'